The following is an entry in ClinVar:

NM_178857.6(RP1L1):c.644C>G (p.Ser215Cys)

Gene: RP1L1 (RP1 like 1). Cytogenetic location: 8p23.1.
Variant type: single nucleotide variant.
Coding change: c.644C>G on transcript NM_178857.6 (MANE Select); coding-DNA position 644, C replaced by G.
Protein change: p.Ser215Cys; replaces serine 215 with cysteine.
Molecular consequence: missense variant.
Genome position (GRCh38, 1-based): chr8:10,616,553, G>C on the plus strand (C>G on the coding strand, the complement: RP1L1 is on the minus strand). VCF-style: chr8-10616553-G-C. GRCh37 (hg19) VCF-style: chr8-10474063-G-C.
Other names: short protein forms S215C.
Identifiers: ClinVar variation 3674508 (VCV003674508.2).

ClinVar aggregate classification (germline): Uncertain significance (1 of 4 stars; one submission).

gnomAD v4.1: 5 of 1,613,898 alleles (0.00031%); highest among the groups gnomAD compares: Non-Finnish European, 0.00042%; no homozygotes.

Submission:

Labcorp Genetics (formerly Invitae), Labcorp
Classification: Uncertain significance. Last evaluated: 2025-03-17. Review status: criteria provided, single submitter. Criteria: Invitae Variant Classification Sherloc (09022015). Collection method: clinical testing. Allele origin: germline.
Comment: This sequence change replaces serine, which is neutral and polar, with cysteine, which is neutral and slightly polar, at codon 215 of the RP1L1 protein (p.Ser215Cys). This variant is not present in population databases (gnomAD no frequency). This variant has not been reported in the literature in individuals affected with RP1L1-related conditions. Invitae Evidence Modeling of protein sequence and biophysical properties (such as structural, functional, and spatial information, amino acid conservation, physicochemical variation, residue mobility, and thermodynamic stability) indicates that this missense variant is not expected to disrupt RP1L1 protein function with a negative predictive value of 80%. In summary, the available evidence is currently insufficient to determine the role of this variant in disease. Therefore, it has been classified as a Variant of Uncertain Significance.